The following is an entry in ClinVar:

NM_000053.4(ATP7B):c.2193G>A (p.Val731=)

Gene: ATP7B (ATPase copper transporting beta; minus strand). Cytogenetic location: 13q14.3.
Variant type: single nucleotide variant.
Coding change: c.2193G>A on transcript NM_000053.4 (MANE Select); coding-DNA position 2193, G replaced by A.
Protein change: p.Val731=; no amino-acid change (valine 731 retained).
Molecular consequence: synonymous variant. On other transcripts: intron variant (20).
Genome position (GRCh38, 1-based): chr13:51,958,473, C>T on the plus strand (G>A on the coding strand, the complement: ATP7B is on the minus strand). VCF-style: chr13-51958473-C-T. GRCh37 (hg19) VCF-style: chr13-52532609-C-T.
Other names: c.1860G>A, p.Val620= (NM_001243182.2); c.1941G>A, p.Val647= (NM_001330579.2, NM_001406531.1, NM_001406532.1 and 1 more transcripts); c.2193G>A, p.Val731= (NM_001406511.1, NM_001406512.1, NM_001406513.1 and 7 more transcripts); c.2160G>A, p.Val720= (NM_001406514.1); c.2097G>A, p.Val699= (NM_001406517.1, NM_001406518.1); c.1764G>A, p.Val588= (NM_001406539.1); c.1845G>A, p.Val615= (NM_001406543.1); c.1870-866G>A (NM_001406541.1, NM_001005918.3, NM_001406546.1 and 1 more transcripts); and 8 more.
Identifiers: ClinVar variation 2108365 (VCV002108365.5), dbSNP rs2547715974, ClinGen allele CA483896184.

ClinVar aggregate classification (germline): Likely benign. Review status: criteria provided, multiple submitters, no conflicts (2 of 4 stars). 2 submissions from 2 submitters: Likely benign (2). Last evaluated 2025-06-11.

Conditions:
Wilson disease (WND). Also called: Wilson's disease. Identifiers: Orphanet 905, MedGen C0019202, MONDO:0010200, OMIM 277900. Disease mechanism: loss of function.

Allele frequency attached by ClinVar (database versions not stated): gnomAD exomes below 0.00001.
gnomAD v4.1: 2 of 1,614,226 alleles (0.00012%); highest among the groups gnomAD compares: Middle Eastern, 0.016%; no homozygotes.

Submissions (2):

Labcorp Genetics (formerly Invitae), Labcorp
Classification: Likely benign for Wilson disease. Last evaluated: 2025-06-11. Review status: criteria provided, single submitter. Criteria: Invitae Variant Classification Sherloc (09022015). Collection method: clinical testing. Allele origin: germline.

All of Us Research Program, National Institutes of Health
Classification: Likely benign for Wilson disease. Last evaluated: 2023-04-28. Review status: criteria provided, single submitter. Criteria: ACMG Guidelines, 2015. Collection method: clinical testing. Allele origin: germline. Inheritance: Autosomal recessive inheritance. Observed: 2 variant alleles, 2 heterozygotes.
Comment: This study involves interpretation of variants in research participants for the purpose of population health screening. Participant phenotype was not available at the time of variant classification. Additional details can be found in publication PMID: 35346344, PMCID: PMC8962531